The following is an entry in ClinVar:

NM_178452.6(DNAAF1):c.392T>G (p.Leu131Arg)

Gene: DNAAF1 (dynein axonemal assembly factor 1; plus strand). Cytogenetic location: 16q24.1.
Variant type: single nucleotide variant.
Coding change: c.392T>G on transcript NM_178452.6 (MANE Select); coding-DNA position 392, T replaced by G.
Protein change: p.Leu131Arg; replaces leucine 131 with arginine.
Molecular consequence: missense variant.
Genome position (GRCh38, 1-based): chr16:84,154,616, T>G. VCF-style: chr16-84154616-T-G. GRCh37 (hg19) VCF-style: chr16-84188221-T-G.
Other names: short protein forms L131R.
Identifiers: ClinVar variation 3666089 (VCV003666089.2).

ClinVar aggregate classification (germline): Uncertain significance (1 of 4 stars; one submission).

Conditions:
Primary ciliary dyskinesia. Also called: Ciliary dyskinesia. Identifiers: Orphanet 244, MedGen C0008780, MONDO:0016575, HP:0012265.

Submission:

Labcorp Genetics (formerly Invitae), Labcorp
Classification: Uncertain significance for Primary ciliary dyskinesia. Last evaluated: 2024-03-05. Review status: criteria provided, single submitter. Criteria: Invitae Variant Classification Sherloc (09022015). Collection method: clinical testing. Allele origin: germline.
Comment: This sequence change replaces leucine, which is neutral and non-polar, with arginine, which is basic and polar, at codon 131 of the DNAAF1 protein (p.Leu131Arg). This variant is present in population databases (no rsID available, gnomAD 0.003%). This variant has not been reported in the literature in individuals affected with DNAAF1-related conditions. An algorithm developed to predict the effect of missense changes on protein structure and function (PolyPhen-2) suggests that this variant is likely to be disruptive. In summary, the available evidence is currently insufficient to determine the role of this variant in disease. Therefore, it has been classified as a Variant of Uncertain Significance.